The following is an entry in ClinVar:

ClinVar aggregate classification (germline): Uncertain significance (1 of 4 stars; one submission).

Conditions:
Developmental and epileptic encephalopathy, 34 (DEE34). Also called: SLC12A5-Related Epilepsy of Infancy with Migrating Focal Seizures; Early infantile epileptic encephalopathy 34. Identifiers: Orphanet 293181, MedGen C4225257, MONDO:0014718, OMIM 616645.

Allele frequency attached by ClinVar (database versions not stated): gnomAD exomes below 0.00001 and 0.00001; gnomAD 0.00001.

Submission:

Labcorp Genetics (formerly Invitae), Labcorp
Classification: Uncertain significance for Developmental and epileptic encephalopathy, 34. Last evaluated: 2020-01-29. Review status: criteria provided, single submitter. Criteria: Invitae Variant Classification Sherloc (09022015). Collection method: clinical testing. Allele origin: germline.
Comment: This sequence change replaces arginine with glutamine at codon 796 of the SLC12A5 protein (p.Arg796Gln). The arginine residue is moderately conserved and there is a small physicochemical difference between arginine and glutamine. In summary, the available evidence is currently insufficient to determine the role of this variant in disease. Therefore, it has been classified as a Variant of Uncertain Significance. Algorithms developed to predict the effect of missense changes on protein structure and function (SIFT, PolyPhen-2, Align-GVGD) all suggest that this variant is likely to be tolerated, but these predictions have not been confirmed by published functional studies and their clinical significance is uncertain. This variant has not been reported in the literature in individuals with SLC12A5-related conditions. This variant is not present in population databases (ExAC no frequency).

NM_020708.5(SLC12A5):c.2387G>A (p.Arg796Gln)

Gene: SLC12A5 (solute carrier family 12 member 5; plus strand). Cytogenetic location: 20q13.12.
Variant type: single nucleotide variant.
Coding change: c.2387G>A on transcript NM_020708.5 (MANE Select); coding-DNA position 2387, G replaced by A.
Protein change: p.Arg796Gln; replaces arginine 796 with glutamine.
Molecular consequence: missense variant.
Genome position (GRCh38, 1-based): chr20:46,052,966, G>A. VCF-style: chr20-46052966-G-A. GRCh37 (hg19) VCF-style: chr20-44681605-G-A.
Other names: c.2456G>A, p.Arg819Gln (NM_001134771.2); short protein forms R796Q, R819Q.
Identifiers: ClinVar variation 1004437 (VCV001004437.11), dbSNP rs1365579102, ClinGen allele CA409204494.